The following is an entry in ClinVar:

NM_153240.5(NPHP3):c.3728A>C (p.Glu1243Ala)

Genes: NPHP3-ACAD11 (NPHP3-ACAD11 readthrough (NMD candidate); minus strand), NPHP3 (nephrocystin 3; minus strand). Cytogenetic location: 3q22.1.
Variant type: single nucleotide variant.
Coding change: c.3728A>C on transcript NM_153240.5 (MANE Select); coding-DNA position 3728, A replaced by C.
Protein change: p.Glu1243Ala; replaces glutamic acid 1243 with alanine.
Molecular consequence: missense variant. On other transcripts: non-coding transcript variant (1).
Genome position (GRCh38, 1-based): chr3:132,682,787, T>G on the plus strand (A>C on the coding strand, the complement: NPHP3 is on the minus strand). VCF-style: chr3-132682787-T-G. GRCh37 (hg19) VCF-style: chr3-132401631-T-G.
Other names: short protein forms E1243A.
Identifiers: ClinVar variation 3367819 (VCV003367819.2).

ClinVar aggregate classification (germline): Uncertain significance. Review status: criteria provided, multiple submitters, no conflicts (2 of 4 stars). 2 submissions from 2 submitters: Uncertain significance (2). Last evaluated 2024-05-31.

Conditions:
Renal-hepatic-pancreatic dysplasia 1 (RHPD1). Identifiers: MedGen C3715199, MONDO:0008833, OMIM 208540.
NPHP3-related Meckel-like syndrome. Also called: Meckel syndrome type 7; GOLDSTON SYNDROME. Identifiers: Orphanet 3032, MedGen C2673885, MONDO:0009966, OMIM 267010.
Nephronophthisis 3 (NPHP3). Also called: Adolescent nephronophthisis. Identifiers: Orphanet 655, MedGen C1858392, MONDO:0011456, OMIM 604387.

gnomAD v4.1: 2 of 1,612,276 alleles (0.00012%); highest among the groups gnomAD compares: Non-Finnish European, 0.00017%; no homozygotes.

Submissions (2):

Fulgent Genetics
Classification: Uncertain significance for Renal-hepatic-pancreatic dysplasia 1; NPHP3-related Meckel-like syndrome; Nephronophthisis 3. Last evaluated: 2024-05-31. Review status: criteria provided, single submitter. Criteria: ACMG Guidelines, 2015. Collection method: clinical testing. Allele origin: germline.

GeneDx
Classification: Uncertain significance. Last evaluated: 2024-01-12. Review status: criteria provided, single submitter. Criteria: GeneDx Variant Classification Process June 2021. Collection method: clinical testing. Allele origin: germline. Affected: yes.
Comment: Not observed at significant frequency in large population cohorts (gnomAD); In silico analysis supports that this missense variant has a deleterious effect on protein structure/function; Has not been previously published as pathogenic or benign to our knowledge